The following is an entry in ClinVar:

ClinVar aggregate classification (germline): Conflicting classifications of pathogenicity. Review status: criteria provided, conflicting classifications (1 of 4 stars). 2 submissions from 2 submitters: Uncertain significance (1); Likely benign (1). Last evaluated 2024-05-06.

Conditions:
Dystonic disorder. Also called: Dystonia. Identifiers: MedGen C0013421, MONDO:0003441, HP:0001332.

Allele frequency attached by ClinVar (database versions not stated): gnomAD 0.00001; ExAC 0.00002; TOPMed 0.00003; gnomAD exomes 0.00004.

Submissions (2):

Labcorp Genetics (formerly Invitae), Labcorp
Classification: Uncertain significance for Dystonic disorder. Last evaluated: 2024-05-06. Review status: criteria provided, single submitter. Criteria: Invitae Variant Classification Sherloc (09022015). Collection method: clinical testing. Allele origin: germline.
Comment: This sequence change affects codon 226 of the GNAL mRNA. It is a 'silent' change, meaning that it does not change the encoded amino acid sequence of the GNAL protein. It affects a nucleotide within the consensus splice site. This variant is present in population databases (rs759371786, gnomAD 0.007%). This variant has not been reported in the literature in individuals affected with GNAL-related conditions. ClinVar contains an entry for this variant (Variation ID: 1377717). Algorithms developed to predict the effect of sequence changes on RNA splicing suggest that this variant is not likely to affect RNA splicing. In summary, the available evidence is currently insufficient to determine the role of this variant in disease. Therefore, it has been classified as a Variant of Uncertain Significance.

Blueprint Genetics
Classification: Likely benign. Last evaluated: 2022-04-21. Review status: criteria provided, single submitter. Criteria: ACMG Guidelines, 2015. Collection method: clinical testing. Allele origin: germline.

NM_182978.4(GNAL):c.909C>T (p.Asn303=)

Gene: GNAL (G protein subunit alpha L; plus strand). Cytogenetic location: 18p11.21.
Variant type: single nucleotide variant.
Coding change: c.909C>T on transcript NM_182978.4 (MANE Select); coding-DNA position 909, C replaced by T.
Protein change: p.Asn303=; no amino-acid change (asparagine 303 retained).
Molecular consequence: synonymous variant.
Genome position (GRCh38, 1-based): chr18:11,867,225, C>T. VCF-style: chr18-11867225-C-T. GRCh37 (hg19) VCF-style: chr18-11867224-C-T.
Other names: c.678C>T, p.Asn226= (NM_001142339.3, NM_001261443.2, NM_001369387.1); c.57C>T, p.Asn19= (NM_001261444.2).
Identifiers: ClinVar variation 1377717 (VCV001377717.7), dbSNP rs759371786, ClinGen allele CA8894160.